The following is an entry in ClinVar:

NM_022552.5(DNMT3A):c.286C>T (p.Arg96Trp)

Gene: DNMT3A (DNA methyltransferase 3 alpha; minus strand). Cytogenetic location: 2p23.3.
Variant type: single nucleotide variant.
Coding change: c.286C>T on transcript NM_022552.5 (MANE Select); coding-DNA position 286, C replaced by T.
Protein change: p.Arg96Trp; replaces arginine 96 with tryptophan.
Molecular consequence: missense variant. On other transcripts: non-coding transcript variant (1).
Genome position (GRCh38, 1-based): chr2:25,282,603, G>A on the plus strand (C>T on the coding strand, the complement: DNMT3A is on the minus strand). VCF-style: chr2-25282603-G-A. GRCh37 (hg19) VCF-style: chr2-25505472-G-A.
Other names: c.286C>T, p.Arg96Trp (NM_001320892.2, NM_175629.2, NM_175630.1); short protein forms R96W.
Identifiers: ClinVar variation 4885309 (VCV004885309.2).

ClinVar aggregate classification (germline): Uncertain significance (1 of 4 stars; one submission).

Submission:

Dasa
Classification: Uncertain significance. Last evaluated: 2025-06-09. Review status: criteria provided, single submitter. Criteria: DASA Assertion Criteria. Collection method: clinical testing. Allele origin: germline.
Comment: NM_022552.5(DNMT3A):c.286C>T (p.Arg96Trp) is a missense variant that results in the substitution of arginine with tryptophan. This variant is rare in population databases. Computational prediction algorithms are consistent with a benign effect. The currently available literature and clinical evidence are not sufficient to establish a definitive association between this variant and the reported condition. Therefore, this variant is classified as a variant of uncertain significance.